The following is an entry in ClinVar:

NM_001374828.1(ARID1B):c.1278_1289del (p.Ala430_Ala433del)

Gene: ARID1B (AT-rich interaction domain 1B; plus strand). Cytogenetic location: 6q25.3.
Variant type: Deletion.
Coding change: c.1278_1289del on transcript NM_001374828.1 (MANE Select); coding-DNA positions 1278 to 1289, 12 bases deleted (CGCGGCGGCGGC).
Protein change: p.Ala430_Ala433del.
Molecular consequence: inframe deletion.
Genome position (GRCh38, 1-based): chr6:156,778,958-156,778,969, CGCGGCGGCGGC deleted; deleting any 12 consecutive bases within chr6:156,778,947-156,778,969 gives the same sequence; the c. name uses the placement nearest the transcript's 3' end. VCF-style (leftmost placement, unchanged base first): chr6-156778946-GGCGGCGGCGGCC-G. GRCh37 (hg19) VCF-style: chr6-157100080-GGCGGCGGCGGCC-G.
Other names: c.1278_1289del, p.Ala430_Ala433del (NM_001371656.1, NM_001374820.1, NM_017519.3); c.1029_1040del12 (NM_020732.3).
Identifiers: ClinVar variation 589736 (VCV000589736.58), dbSNP rs763063242, ClinGen allele CA4066728.

ClinVar aggregate classification (germline): Likely benign. Review status: criteria provided, multiple submitters, no conflicts (2 of 4 stars). 5 submissions from 5 submitters: Likely benign (4). 1 of the submissions does not count toward it. Last evaluated 2026-01-01.

Conditions:
Inborn genetic diseases. Identifiers: MedGen C0950123, MeSH D030342.
ARID1B-Related Disorder. Identifiers: MedGen CN381337.

Submissions (5):

CeGaT Center for Human Genetics Tuebingen
Classification: Likely benign. Last evaluated: 2026-01-01. Review status: criteria provided, single submitter. Criteria: CeGaT Center For Human Genetics Tuebingen Variant Classification Criteria Version 2. Collection method: clinical testing. Allele origin: germline. Affected: yes. Observed: 1 variant allele.
Comment: ARID1B: BS1

Labcorp Genetics (formerly Invitae), Labcorp
Classification: Likely benign. Last evaluated: 2025-05-12. Review status: criteria provided, single submitter. Criteria: Invitae Variant Classification Sherloc (09022015). Collection method: clinical testing. Allele origin: germline.

Blueprint Genetics
Classification: Likely benign. Last evaluated: 2024-11-04. Review status: criteria provided, single submitter. Criteria: ACMG Guidelines, 2015. Collection method: clinical testing. Allele origin: germline.

Ambry Genetics
Classification: Likely benign for Inborn genetic diseases. Last evaluated: 2021-06-03. Review status: criteria provided, single submitter. Criteria: Ambry Variant Classification Scheme 2023. Collection method: clinical testing. Allele origin: germline.

PreventionGenetics, part of Exact Sciences
Classification: Likely benign for ARID1B-related condition. Last evaluated: 2024-04-02. Review status: no assertion criteria provided. Collection method: clinical testing. Allele origin: germline. Not counted in ClinVar's aggregate classification.
Comment: This variant is classified as likely benign based on ACMG/AMP sequence variant interpretation guidelines (Richards et al. 2015 PMID: 25741868, with internal and published modifications).